The following is an entry in ClinVar:

ClinVar aggregate classification (germline): Likely benign (1 of 4 stars; one submission).

gnomAD v4.1: 38 of 1,613,708 alleles (0.0024%); highest among the groups gnomAD compares: Non-Finnish European, 0.0029%; 1 homozygote.

Submission:

CeGaT Center for Human Genetics Tuebingen
Classification: Likely benign. Last evaluated: 2024-08-01. Review status: criteria provided, single submitter. Criteria: CeGaT Center For Human Genetics Tuebingen Variant Classification Criteria Version 2. Collection method: clinical testing. Allele origin: germline. Affected: yes. Observed: 1 variant allele.
Comment: SETD1A: BS2

NM_014712.3(SETD1A):c.3197A>T (p.Glu1066Val)

Gene: SETD1A (SET domain containing 1A, histone lysine methyltransferase; plus strand). Cytogenetic location: 16p11.2.
Variant type: single nucleotide variant.
Coding change: c.3197A>T on transcript NM_014712.3 (MANE Select); coding-DNA position 3197, A replaced by T.
Protein change: p.Glu1066Val; replaces glutamic acid 1066 with valine.
Molecular consequence: missense variant.
Genome position (GRCh38, 1-based): chr16:30,971,558, A>T. VCF-style: chr16-30971558-A-T. GRCh37 (hg19) VCF-style: chr16-30982879-A-T.
Other names: short protein forms E1066V.
Identifiers: ClinVar variation 3341718 (VCV003341718.16).